The following is an entry in ClinVar:

ClinVar aggregate classification (germline): Uncertain significance (1 of 4 stars; one submission).

gnomAD v4.1: 2 of 1,548,388 alleles (0.00013%); highest among the groups gnomAD compares: Non-Finnish European, 0.00017%; no homozygotes.

Submission:

GeneDx
Classification: Uncertain significance. Last evaluated: 2025-04-14. Review status: criteria provided, single submitter. Criteria: GeneDx Variant Classification Process June 2021. Collection method: clinical testing. Allele origin: germline. Affected: yes.
Comment: Identified in a patient with autism spectrum disorder and reported as de novo in published literature (PMID: 35982159); Not observed at significant frequency in large population cohorts (gnomAD); In silico analysis supports that this missense variant has a deleterious effect on protein structure/function; This variant is associated with the following publications: (PMID: 35982160, 35982159)

NM_001292063.2(OTOG):c.8027G>A (p.Cys2676Tyr)

Gene: OTOG (otogelin; plus strand). Cytogenetic location: 11p15.1.
Variant type: single nucleotide variant.
Coding change: c.8027G>A on transcript NM_001292063.2 (MANE Select); coding-DNA position 8027, G replaced by A.
Protein change: p.Cys2676Tyr; replaces cysteine 2676 with tyrosine.
Molecular consequence: missense variant.
Genome position (GRCh38, 1-based): chr11:17,640,928, G>A. VCF-style: chr11-17640928-G-A. GRCh37 (hg19) VCF-style: chr11-17662475-G-A.
Other names: c.8063G>A, p.Cys2688Tyr (NM_001277269.2); short protein forms C2676Y, C2688Y.
Identifiers: ClinVar variation 4282462 (VCV004282462.1).